The following is an entry in ClinVar:

ClinVar aggregate classification (germline): Uncertain significance (1 of 4 stars; one submission).

Conditions:
Progressive sclerosing poliodystrophy (MTDPS4A). Also called: Mitochondrial DNA Depletion Syndrome 4A; ALPERS PROGRESSIVE INFANTILE POLIODYSTROPHY; NEURONAL DEGENERATION OF CHILDHOOD WITH LIVER DISEASE, PROGRESSIVE; Mitochondrial DNA depletion syndrome 4A (Alpers type); Alpers Syndrome; ALPERS DIFFUSE DEGENERATION OF CEREBRAL GRAY MATTER WITH HEPATIC CIRRHOSIS. Identifiers: Orphanet 726, MedGen C0205710, MONDO:0008758, OMIM 203700.

Allele frequency attached by ClinVar (database versions not stated): ExAC 0.00001.
gnomAD v4.1: 2 of 1,613,836 alleles (0.00012%); highest among the groups gnomAD compares: Non-Finnish European, 0.00017%; no homozygotes.

Submission:

Labcorp Genetics (formerly Invitae), Labcorp
Classification: Uncertain significance for Progressive sclerosing poliodystrophy. Last evaluated: 2024-04-25. Review status: criteria provided, single submitter. Criteria: Invitae Variant Classification Sherloc (09022015). Collection method: clinical testing. Allele origin: germline.
Comment: This sequence change replaces threonine, which is neutral and polar, with serine, which is neutral and polar, at codon 937 of the POLG protein (p.Thr937Ser). This variant is present in population databases (rs773052089, gnomAD 0.002%). This variant has not been reported in the literature in individuals affected with POLG-related conditions. Advanced modeling of protein sequence and biophysical properties (such as structural, functional, and spatial information, amino acid conservation, physicochemical variation, residue mobility, and thermodynamic stability) performed at Invitae indicates that this missense variant is not expected to disrupt POLG protein function with a negative predictive value of 95%. In summary, the available evidence is currently insufficient to determine the role of this variant in disease. Therefore, it has been classified as a Variant of Uncertain Significance.

NM_002693.3(POLG):c.2810C>G (p.Thr937Ser)

Gene: POLG (DNA polymerase gamma, catalytic subunit; minus strand). Cytogenetic location: 15q26.1.
Variant type: single nucleotide variant.
Coding change: c.2810C>G on transcript NM_002693.3 (MANE Select); coding-DNA position 2810, C replaced by G.
Protein change: p.Thr937Ser; replaces threonine 937 with serine.
Molecular consequence: missense variant.
Genome position (GRCh38, 1-based): chr15:89,320,937, G>C on the plus strand (C>G on the coding strand, the complement: POLG is on the minus strand). VCF-style: chr15-89320937-G-C. GRCh37 (hg19) VCF-style: chr15-89864168-G-C.
Other names: c.2810C>G, p.Thr937Ser (NM_001126131.2); short protein forms T937S.
Identifiers: ClinVar variation 2990566 (VCV002990566.3), dbSNP rs773052089, ClinGen allele CA7724344.